The following is an entry in ClinVar:

ClinVar aggregate classification (germline): Uncertain significance (1 of 4 stars; one submission).

Allele frequency attached by ClinVar (database versions not stated): gnomAD exomes below 0.00001.
gnomAD v4.1: 2 of 1,614,092 alleles (0.00012%); highest among the groups gnomAD compares: Admixed American, 0.0017%; no homozygotes.

Submission:

Labcorp Genetics (formerly Invitae), Labcorp
Classification: Uncertain significance. Last evaluated: 2023-05-15. Review status: criteria provided, single submitter. Criteria: Invitae Variant Classification Sherloc (09022015). Collection method: clinical testing. Allele origin: germline.
Comment: In summary, the available evidence is currently insufficient to determine the role of this variant in disease. Therefore, it has been classified as a Variant of Uncertain Significance. Advanced modeling of protein sequence and biophysical properties (such as structural, functional, and spatial information, amino acid conservation, physicochemical variation, residue mobility, and thermodynamic stability) performed at Invitae indicates that this missense variant is not expected to disrupt CNGB1 protein function. ClinVar contains an entry for this variant (Variation ID: 972087). This variant has not been reported in the literature in individuals affected with CNGB1-related conditions. This variant is not present in population databases (gnomAD no frequency). This sequence change replaces glutamic acid, which is acidic and polar, with lysine, which is basic and polar, at codon 1093 of the CNGB1 protein (p.Glu1093Lys).

NM_001297.5(CNGB1):c.3277G>A (p.Glu1093Lys)

Gene: CNGB1 (cyclic nucleotide gated channel subunit beta 1; minus strand). Cytogenetic location: 16q21.
Variant type: single nucleotide variant.
Coding change: c.3277G>A on transcript NM_001297.5 (MANE Select); coding-DNA position 3277, G replaced by A.
Protein change: p.Glu1093Lys; replaces glutamic acid 1093 with lysine.
Molecular consequence: missense variant.
Genome position (GRCh38, 1-based): chr16:57,888,040, C>T on the plus strand (G>A on the coding strand, the complement: CNGB1 is on the minus strand). VCF-style: chr16-57888040-C-T. GRCh37 (hg19) VCF-style: chr16-57921944-C-T.
Other names: c.3259G>A, p.Glu1087Lys (NM_001286130.2); short protein forms E1093K, E1087K.
Identifiers: ClinVar variation 972087 (VCV000972087.10), dbSNP rs1959983076, ClinGen allele CA396062251.